The following is an entry in ClinVar:

ClinVar aggregate classification (germline): Benign/Likely benign. Review status: criteria provided, multiple submitters, no conflicts (2 of 4 stars). 3 submissions from 3 submitters: Benign (1); Likely benign (2). Last evaluated 2025-06-24.

Conditions:
Familial melanoma. Also called: Hereditary melanoma; Hereditary cutaneous melanoma. Identifiers: Orphanet 618, MedGen C1512419, MONDO:0018961.
Melanoma, cutaneous malignant, susceptibility to, 3. Also called: Cutaneous malignant melanoma 3. Identifiers: Orphanet 618, MedGen C1836892, MONDO:0012183, OMIM 609048.
Hereditary cancer-predisposing syndrome. Also called: Neoplastic Syndromes, Hereditary; Tumor predisposition; Hereditary Cancer Syndrome; Hereditary neoplastic syndrome. Identifiers: Orphanet 140162, MedGen C0027672, MeSH D009386, MONDO:0015356.

Submissions (3):

Labcorp Genetics (formerly Invitae), Labcorp
Classification: Likely benign for Familial melanoma. Last evaluated: 2025-06-24. Review status: criteria provided, single submitter. Criteria: Invitae Variant Classification Sherloc (09022015). Collection method: clinical testing. Allele origin: germline.

Myriad Genetics, Inc.
Classification: Benign for Melanoma, cutaneous malignant, susceptibility to, 3. Last evaluated: 2024-09-24. Review status: criteria provided, single submitter. Criteria: Myriad Autosomal Dominant, Autosomal Recessive and X-Linked Classification Criteria (2023). Collection method: clinical testing. Allele origin: unknown.
Comment: This variant is considered benign. This variant is a silent/synonymous amino acid change and it is not expected to impact splicing.

Ambry Genetics
Classification: Likely benign for Hereditary cancer-predisposing syndrome. Last evaluated: 2016-07-13. Review status: criteria provided, single submitter. Criteria: Ambry Variant Classification Scheme 2023. Collection method: clinical testing. Allele origin: germline.

NM_000075.4(CDK4):c.153C>T (p.Ile51=)

Genes: CDK4 (cyclin dependent kinase 4; minus strand), LOC130008148 (ATAC-STARR-seq lymphoblastoid silent region 4588; plus strand). Cytogenetic location: 12q14.1.
Variant type: single nucleotide variant.
Coding change: c.153C>T on transcript NM_000075.4 (MANE Select); coding-DNA position 153, C replaced by T.
Protein change: p.Ile51=; no amino-acid change (isoleucine 51 retained).
Molecular consequence: synonymous variant.
Genome position (GRCh38, 1-based): chr12:57,751,565, G>A on the plus strand (C>T on the coding strand, the complement: CDK4 is on the minus strand). VCF-style: chr12-57751565-G-A. GRCh37 (hg19) VCF-style: chr12-58145348-G-A.
Identifiers: ClinVar variation 483301 (VCV000483301.15), dbSNP rs1555201373, ClinGen allele CA480404855.